The following is an entry in ClinVar:

ClinVar aggregate classification (germline): Pathogenic. Review status: criteria provided, multiple submitters, no conflicts (2 of 4 stars). 2 submissions from 2 submitters: Pathogenic (2). Last evaluated 2020-01-23.

Conditions:
Cohen syndrome (COH1). Also called: PEPPER SYNDROME; Cutis verticis gyrata, retinitis pigmentosa, and sensorineural deafness. Identifiers: Orphanet 193, MedGen C0265223, MONDO:0008999, OMIM 216550.

Submissions (2):

Labcorp Genetics (formerly Invitae), Labcorp
Classification: Pathogenic for Cohen syndrome. Last evaluated: 2020-01-23. Review status: criteria provided, single submitter. Criteria: Invitae Variant Classification Sherloc (09022015). Collection method: clinical testing. Allele origin: germline.
Comment: This sequence change creates a premature translational stop signal (p.Met273Tyrfs*21) in the VPS13B gene. It is expected to result in an absent or disrupted protein product. This variant is not present in population databases (ExAC no frequency). This variant has not been reported in the literature in individuals with VPS13B-related conditions. ClinVar contains an entry for this variant (Variation ID: 450634). Loss-of-function variants in VPS13B are known to be pathogenic (PMID: 15141358, 16648375, 20461111). For these reasons, this variant has been classified as Pathogenic.

GeneDx
Classification: Pathogenic. Last evaluated: 2017-07-25. Review status: criteria provided, single submitter. Criteria: GeneDx Variant Classification (06012015). Collection method: clinical testing. Allele origin: germline. Affected: yes.
Comment: The c.816dupT variant in the VPS13B gene has not been reported previously as a pathogenic variant nor as a benign variant, to our knowledge. This variant causes a frameshift starting with codon Methionine 273, changes this amino acid to a Tyrosine residue, and creates a premature Stop codon at position 21 of the new reading frame, denoted p.Met273TyrfsX21. The c.816dupT variant is predicted to cause loss of normal protein function either through protein truncation or nonsense-mediated mRNA decay. This variant is not observed in large population cohorts (Lek et al., 2016; 1000 Genomes Consortium et al., 2015; Exome Variant Server). We interpret c.816dupT as a pathogenic variant.

Literature cited by the submitters: PubMed 15141358 (cited by Labcorp Genetics (formerly Invitae), Labcorp); PubMed 16648375 (cited by Labcorp Genetics (formerly Invitae), Labcorp); PubMed 20461111 (cited by Labcorp Genetics (formerly Invitae), Labcorp).

NM_152564.5(VPS13B):c.816dup (p.Met273fs)

Gene: VPS13B (vacuolar protein sorting 13 homolog B; plus strand). Cytogenetic location: 8q22.2.
Variant type: Duplication.
Coding change: c.816dup on transcript NM_152564.5 (MANE Select); coding-DNA position 816, one base duplicated (T; older notation c.816dupT).
Protein change: p.Met273fs; shifts the reading frame from methionine 273.
Molecular consequence: frameshift variant. On other transcripts: non-coding transcript variant (1).
Genome position (GRCh38, 1-based): chr8:99,115,753, T duplicated. VCF-style (leftmost placement, unchanged base first): chr8-99115752-C-CT. GRCh37 (hg19) VCF-style: chr8-100127980-C-CT.
Other names: c.816dup, p.Met273fs (NM_015243.3, NM_017890.5, NM_181661.3); short protein forms M273fs.
Identifiers: ClinVar variation 450634 (VCV000450634.4), dbSNP rs1554622647, ClinGen allele CA658657813.